The following is an entry in ClinVar:

NM_001082486.2(ACD):c.1117A>G (p.Lys373Glu)

Gene: ACD (ACD shelterin complex subunit and telomerase recruitment factor; minus strand). Cytogenetic location: 16q22.1.
Variant type: single nucleotide variant.
Coding change: c.1117A>G on transcript NM_001082486.2 (MANE Select); coding-DNA position 1117, A replaced by G.
Protein change: p.Lys373Glu; replaces lysine 373 with glutamic acid.
Molecular consequence: missense variant.
Genome position (GRCh38, 1-based): chr16:67,658,075, T>C on the plus strand (A>G on the coding strand, the complement: ACD is on the minus strand). VCF-style: chr16-67658075-T-C. GRCh37 (hg19) VCF-style: chr16-67691978-T-C.
Other names: c.1108A>G, p.Lys370Glu (NM_022914.3); short protein forms K370E, K373E.
Identifiers: ClinVar variation 1049769 (VCV001049769.3), dbSNP rs1176289879, ClinGen allele CA396352045.

ClinVar aggregate classification (germline): Uncertain significance. Review status: criteria provided, single submitter (1 of 4 stars). 2 submissions from 2 submitters: Uncertain significance (1). 1 of the submissions does not count toward it. Last evaluated 2021-09-07.

Conditions:
Inborn genetic diseases. Identifiers: MedGen C0950123, MeSH D030342.

Allele frequency attached by ClinVar (database versions not stated): gnomAD 0.00001; gnomAD exomes 0.00001.

Submissions (2):

Ambry Genetics
Classification: Uncertain significance for Inborn genetic diseases. Last evaluated: 2021-09-07. Review status: criteria provided, single submitter. Criteria: Ambry Variant Classification Scheme 2023. Collection method: clinical testing. Allele origin: germline.
Comment: The p.K459E variant (also known as c.1375A>G), located in coding exon 10 of the ACD gene, results from an A to G substitution at nucleotide position 1375. The lysine at codon 459 is replaced by glutamic acid, an amino acid with similar properties. This amino acid position is conserved. In addition, this alteration is predicted to be tolerated by in silico analysis. Since supporting evidence is limited at this time, the clinical significance of this alteration remains unclear.

Department of Pathology and Laboratory Medicine, Sinai Health System
Classification: Uncertain significance. Review status: no assertion criteria provided. Collection method: clinical testing. Allele origin: unknown. Affected: yes. Study: The Canadian Open Genetics Repository (COGR). Not counted in ClinVar's aggregate classification.
Comment: The ACD p.Lys370Glu variant was not identified in the literature nor was it identified in ClinVar. The variant was identified in dbSNP (ID: rs1176289879) and in control databases in 2 of 207346 chromosomes at a frequency of 0.000009646 (Genome Aggregation Database March 6, 2019, v2.1.1). The variant was observed in the South Asian population in 2 of 21068 chromosomes (freq: 0.000095), but was not observed in the African, Latino, Ashkenazi Jewish, East Asian, European (Finnish), European (non-Finnish), or Other populations. The p.Lys370 residue is not conserved in mammals and computational analyses (PolyPhen-2, SIFT, AlignGVGD, BLOSUM, MutationTaster) provide inconsistent predictions regarding the impact to the protein; this information is not very predictive of pathogenicity. The variant occurs outside of the splicing consensus sequence and in silico or computational prediction software programs (SpliceSiteFinder, MaxEntScan, NNSPLICE, GeneSplicer) do not predict a difference in splicing. In summary, based on the above information the clinical significance of this variant cannot be determined with certainty at this time. This variant is classified as a variant of uncertain significance.